The following is an entry in ClinVar:

ClinVar aggregate classification (germline): Conflicting classifications of pathogenicity. Review status: criteria provided, conflicting classifications (1 of 4 stars). 3 submissions from 3 submitters: Likely pathogenic (2); Uncertain significance (1). Last evaluated 2025-09-19.

Conditions:
Polycystic kidney disease 2 (PKD2). Also called: Polycystic Kidney Disease 2, Autosomal Dominant; POLYCYSTIC KIDNEY DISEASE, ADULT, TYPE II; POLYCYSTIC KIDNEY DISEASE 2 WITH OR WITHOUT POLYCYSTIC LIVER DISEASE. Identifiers: MedGen C2751306, MONDO:0013131, OMIM 613095.

Submissions (3):

Women's Health and Genetics/Laboratory Corporation of America, LabCorp
Classification: Likely pathogenic for Polycystic kidney disease 2. Last evaluated: 2025-09-19. Review status: criteria provided, single submitter. Criteria: LabCorp Variant Classification Summary - May 2015. Collection method: clinical testing. Allele origin: germline.
Comment: Variant summary: PKD2 c.2020-5A>G alters a conserved nucleotide located at a position not widely known to affect splicing. Several computational tools predict a significant impact on normal splicing: Two predict the variant abolishes a 3' acceptor site. One predicts the variant weakens a 3' acceptor site. Four predict the variant creates a 3' acceptor site. At least one publication reports experimental evidence that this variant affected mRNA splicing and anticipated to induce a PTC (p.Asn674Thrfs*10) (Yoon_2024). The variant was absent in 250304 control chromosomes (gnomAD). c.2020-5A>G has been observed in individuals affected with Polycystic Kidney Disease 2 in one family (Yoon_2024). These data indicate that the variant may be associated with disease. The following publication has been ascertained in the context of this evaluation (PMID: 39169606). ClinVar contains an entry for this variant (Variation ID: 1334447). Based on the evidence outlined above, the variant was classified as likely pathogenic.

Fulgent Genetics
Classification: Likely pathogenic for Polycystic kidney disease 2. Last evaluated: 2024-05-22. Review status: criteria provided, single submitter. Criteria: ACMG Guidelines, 2015. Collection method: clinical testing. Allele origin: germline.

Center for Human Genetics and Genomic Medicine, Uniklinik Rwth Aachen
Classification: Uncertain significance for Polycystic kidney disease 2. Last evaluated: 2022-01-20. Review status: criteria provided, single submitter. Criteria: ACMG Guidelines, 2015. Collection method: clinical testing. Allele origin: unknown. Inheritance: Autosomal dominant inheritance. Affected: yes. Observed: 1 heterozygote.
Comment: The detected change has not been reported in the relevant databases (dbSNP151, gnomAD, ClinVar), the renowned PKD database or in the literature. Bioinformatically, a probable effect on the acceptor splice site is predicted by various prediction programs (SSF, MaxEnt, GeneSplicer) for the variant, which could lead to altered splicing and be accompanied by a loss of function of the corresponding protein. However, a reliable classification of the variant is not possible based on the current state of knowledge, so that the variant is currently to be regarded as a “variant of uncertain clinical significance” (ACMG criteria).

Literature cited by the submitters: PubMed 39169606 (cited by Women's Health and Genetics/Laboratory Corporation of America, LabCorp).

NM_000297.4(PKD2):c.2020-5A>G

Gene: PKD2 (polycystin 2, transient receptor potential cation channel; plus strand). Cytogenetic location: 4q22.1.
Variant type: single nucleotide variant.
Coding change: c.2020-5A>G on transcript NM_000297.4 (MANE Select); 5 bases into the intron before coding-DNA position 2020, A replaced by G.
Molecular consequence: intron variant.
Genome position (GRCh38, 1-based): chr4:88,061,901, A>G. VCF-style: chr4-88061901-A-G. GRCh37 (hg19) VCF-style: chr4-88983053-A-G.
Identifiers: ClinVar variation 1334447 (VCV001334447.4), dbSNP rs2110133917, ClinGen allele CA2573052376.
Genomic context (GRCh38, chr4:88,061,901, plus strand): 5'-TTTGATTGATAATTCCAAATTATGTTTCTTCCTTTAATTTTTGCCCTCCTTTCATTTACA[A>G]ACAGAATATGTTTTTGGCTATCATCAATGATACTTACTCTGAAGTGAAATCTGACTTGGC-3'